The following is an entry in ClinVar:

ClinVar aggregate classification (germline): Benign. Review status: criteria provided, multiple submitters, no conflicts (2 of 4 stars). 2 submissions from 2 submitters: Benign (2). Last evaluated 2025-10-24.

Allele frequency attached by ClinVar (database versions not stated): gnomAD exomes 0.00019; ExAC 0.00055; 1000 Genomes Project 30x 0.00187; gnomAD 0.00189; TOPMed 0.00196; 1000 Genomes Project 0.00200; ESP Exome Variant Server 0.00223.
gnomAD v4.1: 569 of 1,602,652 alleles (0.036%); highest among the groups gnomAD compares: African/African-American, 0.64%; 3 homozygotes.

Submissions (2):

Labcorp Genetics (formerly Invitae), Labcorp
Classification: Benign. Last evaluated: 2025-10-24. Review status: criteria provided, single submitter. Criteria: Invitae Variant Classification Sherloc (09022015). Collection method: clinical testing. Allele origin: germline.

CeGaT Center for Human Genetics Tuebingen
Classification: Benign. Last evaluated: 2022-12-01. Review status: criteria provided, single submitter. Criteria: CeGaT Center For Human Genetics Tuebingen Variant Classification Criteria Version 2. Collection method: clinical testing. Allele origin: germline. Affected: yes. Observed: 1 variant allele.
Comment: ATP2A2: BS1, BS2

NM_170665.4(ATP2A2):c.464-12T>C

Gene: ATP2A2 (ATPase sarcoplasmic/endoplasmic reticulum Ca2+ transporting 2; plus strand). Cytogenetic location: 12q24.11.
Variant type: single nucleotide variant.
Coding change: c.464-12T>C on transcript NM_170665.4 (MANE Select); 12 bases into the intron before coding-DNA position 464, T replaced by C.
Molecular consequence: intron variant.
Genome position (GRCh38, 1-based): chr12:110,322,980, T>C. VCF-style: chr12-110322980-T-C. GRCh37 (hg19) VCF-style: chr12-110760785-T-C.
Other names: c.464-12T>C (NM_001681.4).
Identifiers: ClinVar variation 1879243 (VCV001879243.34), dbSNP rs78378192, ClinGen allele CA6783699.
Genomic context (GRCh38, chr12:110,322,980, plus strand): 5'-GACAAATTCATCTTTAGATAACATAGTTTTAAAAGTTGCTCATTTCAGCCGCCTTTTTTT[T>C]CTCCTAATTAGTTGGTGACAAAGTTCCTGCTGATATAAGGTTAACTTCCATCAAATCTAC-3'